The following is an entry in ClinVar:

ClinVar aggregate classification (germline): Uncertain significance (1 of 4 stars; one submission).

Submission:

Labcorp Genetics (formerly Invitae), Labcorp
Classification: Uncertain significance. Last evaluated: 2024-10-31. Review status: criteria provided, single submitter. Criteria: Invitae Variant Classification Sherloc (09022015). Collection method: clinical testing. Allele origin: germline.
Comment: This sequence change replaces phenylalanine, which is neutral and non-polar, with serine, which is neutral and polar, at codon 271 of the CLCN6 protein (p.Phe271Ser). This variant is not present in population databases (gnomAD no frequency). This variant has not been reported in the literature in individuals affected with CLCN6-related conditions. An algorithm developed to predict the effect of missense changes on protein structure and function (PolyPhen-2) suggests that this variant is likely to be disruptive. In summary, the available evidence is currently insufficient to determine the role of this variant in disease. Therefore, it has been classified as a Variant of Uncertain Significance.

NM_001286.5(CLCN6):c.812T>C (p.Phe271Ser)

Gene: CLCN6 (chloride voltage-gated channel 6; plus strand). Cytogenetic location: 1p36.22.
Variant type: single nucleotide variant.
Coding change: c.812T>C on transcript NM_001286.5 (MANE Select); coding-DNA position 812, T replaced by C.
Protein change: p.Phe271Ser; replaces phenylalanine 271 with serine.
Molecular consequence: missense variant. On other transcripts: non-coding transcript variant (1).
Genome position (GRCh38, 1-based): chr1:11,827,193, T>C. VCF-style: chr1-11827193-T-C. GRCh37 (hg19) VCF-style: chr1-11887250-T-C.
Other names: c.746T>C, p.Phe249Ser (NM_001256959.2); short protein forms F271S, F249S.
Identifiers: ClinVar variation 3649522 (VCV003649522.2).
Genomic context (GRCh38, chr1:11,827,193, plus strand): 5'-CTGCAGCTTTCGGGGCGCCAATCGGGGGTACCTTGTTCAGTCTAGAGGAGGGTTCGTCCT[T>C]CTGGAACCAAGGGCTCACGTGGAAAGTGGTGAGGAGGACCTTCAGTGAAAGCATTAACCA-3'
Protein context (NP_001277.2, residues 261-281): TLFSLEEGSS[Phe271Ser]WNQGLTWKVL